The following is an entry in ClinVar:

NM_001042492.3(NF1):c.6526A>G (p.Ile2176Val)

Gene: NF1 (neurofibromin 1; plus strand). Cytogenetic location: 17q11.2.
Variant type: single nucleotide variant.
Coding change: c.6526A>G on transcript NM_001042492.3 (MANE Select); coding-DNA position 6526, A replaced by G.
Protein change: p.Ile2176Val; replaces isoleucine 2176 with valine.
Molecular consequence: missense variant.
Genome position (GRCh38, 1-based): chr17:31,337,466, A>G. VCF-style: chr17-31337466-A-G. GRCh37 (hg19) VCF-style: chr17-29664484-A-G.
Other names: c.6463A>G, p.Ile2155Val (NM_000267.4); short protein forms I2155V, I2176V.
Identifiers: ClinVar variation 936694 (VCV000936694.9), dbSNP rs2069705304, ClinGen allele CA399013205.

ClinVar aggregate classification (germline): Uncertain significance. Review status: criteria provided, multiple submitters, no conflicts (2 of 4 stars). 2 submissions from 2 submitters: Uncertain significance (2). Last evaluated 2025-08-29.

Conditions:
Hereditary cancer-predisposing syndrome. Also called: Tumor predisposition; Hereditary neoplastic syndrome; Neoplastic Syndromes, Hereditary; Hereditary Cancer Syndrome. Identifiers: Orphanet 140162, MedGen C0027672, MeSH D009386, MONDO:0015356.
Cardiovascular phenotype. Identifiers: MedGen CN230736.
Neurofibromatosis, type 1 (NF1). Also called: Peripheral type neurofibromatosis; VON RECKLINGHAUSEN DISEASE; Neurofibromatosis, type I; NEUROFIBROMATOSIS, TYPE I, SOMATIC. Identifiers: Orphanet 636, MedGen C0027831, MONDO:0018975, OMIM 162200. Disease mechanism: loss of function.

Allele frequency attached by ClinVar (database versions not stated): gnomAD exomes below 0.00001.
gnomAD v4.1: 5 of 1,614,082 alleles (0.00031%); highest among the groups gnomAD compares: South Asian, 0.0011%; no homozygotes.

Submissions (2):

Labcorp Genetics (formerly Invitae), Labcorp
Classification: Uncertain significance for Neurofibromatosis, type 1. Last evaluated: 2025-08-29. Review status: criteria provided, single submitter. Criteria: Invitae Variant Classification Sherloc (09022015). Collection method: clinical testing. Allele origin: germline.
Comment: This sequence change replaces isoleucine, which is neutral and non-polar, with valine, which is neutral and non-polar, at codon 2155 of the NF1 protein (p.Ile2155Val). This variant is not present in population databases (gnomAD no frequency). This variant has not been reported in the literature in individuals affected with NF1-related conditions. ClinVar contains an entry for this variant (Variation ID: 936694). Invitae Evidence Modeling of protein sequence and biophysical properties (such as structural, functional, and spatial information, amino acid conservation, physicochemical variation, residue mobility, and thermodynamic stability) has been performed for this missense variant. However, the output from this modeling did not meet the statistical confidence thresholds required to predict the impact of this variant on NF1 protein function. In summary, the available evidence is currently insufficient to determine the role of this variant in disease. Therefore, it has been classified as a Variant of Uncertain Significance.

Ambry Genetics
Classification: Uncertain significance for Cardiovascular phenotype; Hereditary cancer-predisposing syndrome. Last evaluated: 2021-12-23. Review status: criteria provided, single submitter. Criteria: Ambry Variant Classification Scheme 2023. Collection method: clinical testing. Allele origin: germline.
Comment: The p.I2155V variant (also known as c.6463A>G), located in coding exon 42 of the NF1 gene, results from an A to G substitution at nucleotide position 6463. The isoleucine at codon 2155 is replaced by valine, an amino acid with highly similar properties. This amino acid position is highly conserved in available vertebrate species. In addition, the in silico prediction for this alteration is inconclusive. Since supporting evidence is limited at this time, the clinical significance of this alteration remains unclear.